The following is an entry in ClinVar:

ClinVar aggregate classification (germline): Conflicting classifications of pathogenicity. Review status: criteria provided, conflicting classifications (1 of 4 stars). 5 submissions from 5 submitters: Uncertain significance (1); Likely benign (3). 1 of the submissions does not count toward it. Last evaluated 2025-12-24.

Conditions:
EARS2-related disorder. Also called: EARS2-related condition; EARS2-related disorders.
Leukoencephalopathy-thalamus and brainstem anomalies-high lactate syndrome. Also called: Combined oxidative phosphorylation deficiency 12; LEUKOENCEPHALOPATHY WITH THALAMUS AND BRAINSTEM INVOLVEMENT AND HIGH LACTATE. Identifiers: Orphanet 314051, MedGen C4706421, MONDO:0013971, OMIM 614924.

Allele frequency attached by ClinVar (database versions not stated): ESP Exome Variant Server 0.00008; gnomAD 0.00019; TOPMed 0.00028; 1000 Genomes Project 30x 0.00047; 1000 Genomes Project 0.00060.
gnomAD v4.1: 140 of 1,613,956 alleles (0.0087%); highest among the groups gnomAD compares: East Asian, 0.19%; no homozygotes.

Submissions (5):

Labcorp Genetics (formerly Invitae), Labcorp
Classification: Likely benign. Last evaluated: 2025-12-24. Review status: criteria provided, single submitter. Criteria: Invitae Variant Classification Sherloc (09022015). Collection method: clinical testing. Allele origin: germline.

Illumina Laboratory Services, Illumina
Classification: Likely benign for Leukoencephalopathy-thalamus and brainstem anomalies-high lactate syndrome. Last evaluated: 2018-01-12. Review status: criteria provided, single submitter. Criteria: ICSL Variant Classification Criteria 13 December 2019. Collection method: clinical testing. Allele origin: germline.
Comment: This variant was observed in the ICSL laboratory as part of a predisposition screen in an ostensibly healthy population. It had not been previously curated by ICSL or reported in the Human Gene Mutation Database (HGMD: prior to June 1st, 2018), and was therefore a candidate for classification through an automated scoring system. Utilizing variant allele frequency, disease prevalence and penetrance estimates, and inheritance mode, an automated score was calculated to assess if this variant is too frequent to cause the disease. Based on the score and internal cut-off values, a variant classified as likely benign is not then subjected to further curation. The score for this variant resulted in a classification of likely benign for this disease.

Eurofins Ntd Llc (ga)
Classification: Uncertain significance. Last evaluated: 2016-08-26. Review status: criteria provided, single submitter. Criteria: EGL Classification Definitions 2015. Collection method: clinical testing. Allele origin: germline. Observed: 2 variant alleles, 2 heterozygotes.

GeneDx
Classification: Likely benign. Last evaluated: 2015-09-28. Review status: criteria provided, single submitter. Criteria: GeneDx Variant Classification (06012015). Collection method: clinical testing. Allele origin: germline. Affected: yes.
Comment: This variant is considered likely benign or benign based on one or more of the following criteria: it is a conservative change, it occurs at a poorly conserved position in the protein, it is predicted to be benign by multiple in silico algorithms, and/or has population frequency not consistent with disease.

PreventionGenetics, part of Exact Sciences
Classification: Likely benign for EARS2-related condition. Last evaluated: 2023-04-12. Review status: no assertion criteria provided. Collection method: clinical testing. Allele origin: germline. Not counted in ClinVar's aggregate classification.
Comment: This variant is classified as likely benign based on ACMG/AMP sequence variant interpretation guidelines (Richards et al. 2015 PMID: 25741868, with internal and published modifications).

NM_001083614.2(EARS2):c.280A>G (p.Met94Val)

Gene: EARS2 (glutamyl-tRNA synthetase 2, mitochondrial; minus strand). Cytogenetic location: 16p12.2.
Variant type: single nucleotide variant.
Coding change: c.280A>G on transcript NM_001083614.2 (MANE Select); coding-DNA position 280, A replaced by G.
Protein change: p.Met94Val; replaces methionine 94 with valine.
Molecular consequence: missense variant. On other transcripts: non-coding transcript variant (1).
Genome position (GRCh38, 1-based): chr16:23,552,164, T>C on the plus strand (A>G on the coding strand, the complement: EARS2 is on the minus strand). VCF-style: chr16-23552164-T-C. GRCh37 (hg19) VCF-style: chr16-23563485-T-C.
Other names: c.280A>G, p.Met94Val (NM_001308211.1); short protein forms M94V.
Identifiers: ClinVar variation 290959 (VCV000290959.20), dbSNP rs200139797, ClinGen allele CA7962656.